The following is an entry in ClinVar:

ClinVar aggregate classification (germline): Conflicting classifications of pathogenicity. Review status: criteria provided, conflicting classifications (1 of 4 stars). 3 submissions from 3 submitters: Uncertain significance (2); Benign (1). Last evaluated 2025-08-28.

Conditions:
Adams-Oliver syndrome 5 (AOS5). Identifiers: Orphanet 974, MedGen C4014970, MONDO:0014459, OMIM 616028.
Familial thoracic aortic aneurysm and aortic dissection (TAAD). Also called: Thoracic aortic aneurysms and dissections. Identifiers: Orphanet 91387, MedGen C4707243, MONDO:0019625.

Allele frequency attached by ClinVar (database versions not stated): TOPMed below 0.00001; gnomAD exomes 0.00001; ExAC 0.00002.
gnomAD v4.1: 4 of 1,613,080 alleles (0.00025%); highest among the groups gnomAD compares: Admixed American, 0.0067%; no homozygotes.

Submissions (3):

Ambry Genetics
Classification: Uncertain significance for Familial thoracic aortic aneurysm and aortic dissection. Last evaluated: 2025-08-28. Review status: criteria provided, single submitter. Criteria: Ambry Variant Classification Scheme 2023. Collection method: clinical testing. Allele origin: germline.
Comment: The p.D952H variant (also known as c.2854G>C), located in coding exon 18 of the NOTCH1 gene, results from a G to C substitution at nucleotide position 2854. The aspartic acid at codon 952 is replaced by histidine, an amino acid with similar properties. This amino acid position is conserved. In addition, this alteration is predicted to be tolerated by in silico analysis. Based on the available evidence, the clinical significance of this variant remains unclear.

GeneDx
Classification: Uncertain significance. Last evaluated: 2024-10-21. Review status: criteria provided, single submitter. Criteria: GeneDx Variant Classification Process June 2021. Collection method: clinical testing. Allele origin: germline. Affected: yes.
Comment: Not observed at significant frequency in large population cohorts (gnomAD); In silico analysis indicates that this missense variant does not alter protein structure/function; Has not been previously published as pathogenic or benign to our knowledge

Labcorp Genetics (formerly Invitae), Labcorp
Classification: Benign for Adams-Oliver syndrome 5. Last evaluated: 2024-03-18. Review status: criteria provided, single submitter. Criteria: Invitae Variant Classification Sherloc (09022015). Collection method: clinical testing. Allele origin: germline.

NM_017617.5(NOTCH1):c.2854G>C (p.Asp952His)

Gene: NOTCH1 (notch receptor 1; minus strand). Cytogenetic location: 9q34.3.
Variant type: single nucleotide variant.
Coding change: c.2854G>C on transcript NM_017617.5 (MANE Select); coding-DNA position 2854, G replaced by C.
Protein change: p.Asp952His; replaces aspartic acid 952 with histidine.
Molecular consequence: missense variant.
Genome position (GRCh38, 1-based): chr9:136,509,848, C>G on the plus strand (G>C on the coding strand, the complement: NOTCH1 is on the minus strand). VCF-style: chr9-136509848-C-G. GRCh37 (hg19) VCF-style: chr9-139404300-C-G.
Other names: c.2854G>C (NM_017617.3); short protein forms D952H.
Identifiers: ClinVar variation 2153410 (VCV002153410.6), dbSNP rs758240214, ClinGen allele CA5341133.